The following is an entry in ClinVar:

ClinVar aggregate classification (germline): Conflicting classifications of pathogenicity. Review status: criteria provided, conflicting classifications (1 of 4 stars). 4 submissions from 4 submitters: Uncertain significance (1); Benign (1); Likely benign (2). Last evaluated 2025-10-08.

Conditions:
TMEM165-congenital disorder of glycosylation. Also called: TMEM165-CDG; Congenital disorder of glycosylation type 2k; CDG IIk. Identifiers: Orphanet 314667, MedGen C3553571, MONDO:0013870, OMIM 614727.

Allele frequency attached by ClinVar (database versions not stated): 1000 Genomes Project 0.00020; 1000 Genomes Project 30x 0.00031; gnomAD 0.00076 and 0.00078; TOPMed 0.00076; ExAC 0.00083; gnomAD exomes 0.00089 and 0.00102; ESP Exome Variant Server 0.00100.
gnomAD v4.1: 1,587 of 1,612,308 alleles (0.098%); highest among the groups gnomAD compares: Non-Finnish European, 0.11%; 3 homozygotes.

Submissions (4):

Labcorp Genetics (formerly Invitae), Labcorp
Classification: Benign for TMEM165-congenital disorder of glycosylation. Last evaluated: 2025-10-08. Review status: criteria provided, single submitter. Criteria: Invitae Variant Classification Sherloc (09022015). Collection method: clinical testing. Allele origin: germline.

Blueprint Genetics
Classification: Likely benign. Last evaluated: 2024-11-18. Review status: criteria provided, single submitter. Criteria: ACMG Guidelines, 2015. Collection method: clinical testing. Allele origin: germline.

Illumina Laboratory Services, Illumina
Classification: Uncertain significance for TMEM165-congenital disorder of glycosylation. Last evaluated: 2018-01-13. Review status: criteria provided, single submitter. Criteria: ICSL Variant Classification Criteria 13 December 2019. Collection method: clinical testing. Allele origin: germline.

GeneDx
Classification: Likely benign. Last evaluated: 2016-08-19. Review status: criteria provided, single submitter. Criteria: GeneDx Variant Classification (06012015). Collection method: clinical testing. Allele origin: germline. Affected: yes.
Comment: This variant is considered likely benign or benign based on one or more of the following criteria: it is a conservative change, it occurs at a poorly conserved position in the protein, it is predicted to be benign by multiple in silico algorithms, and/or has population frequency not consistent with disease.

NM_018475.5(TMEM165):c.433+15C>A

Gene: TMEM165 (transmembrane protein 165; plus strand). Cytogenetic location: 4q12.
Variant type: single nucleotide variant.
Coding change: c.433+15C>A on transcript NM_018475.5 (MANE Select); 15 bases into the intron after coding-DNA position 433, C replaced by A.
Molecular consequence: intron variant.
Genome position (GRCh38, 1-based): chr4:55,411,854, C>A. VCF-style: chr4-55411854-C-A. GRCh37 (hg19) VCF-style: chr4-56278021-C-A.
Identifiers: ClinVar variation 349065 (VCV000349065.13), dbSNP rs370138167, ClinGen allele CA2925511.
Genomic context (GRCh38, chr4:55,411,854, plus strand): 5'-CTGGCTGGTGCAATGCTTGCCTTGGGACTAATGACATGCTTGTCAGGTGAGTGTGCTTTT[C>A]CCTCTCATGAGTTCGCTGAATTAAAGGGAAAGCGTGTTGTGTGACATGGAGTCACTGAGT-3'